The following is an entry in ClinVar:

ClinVar aggregate classification (germline): Likely benign (1 of 4 stars; one submission).

gnomAD v4.1: 3 of 1,589,680 alleles (0.00019%); highest among the groups gnomAD compares: Non-Finnish European, 0.00026%; no homozygotes.

Submission:

CeGaT Center for Human Genetics Tuebingen
Classification: Likely benign. Last evaluated: 2022-05-01. Review status: criteria provided, single submitter. Criteria: CeGaT Center For Human Genetics Tuebingen Variant Classification Criteria Version 2. Collection method: clinical testing. Allele origin: germline. Affected: yes. Observed: 1 variant allele.
Comment: GATB: PM2, BS2

NM_004564.3(GATB):c.1050C>A (p.Asp350Glu)

Gene: GATB (glutamyl-tRNA amidotransferase subunit B; minus strand). Cytogenetic location: 4q31.3.
Variant type: single nucleotide variant.
Coding change: c.1050C>A on transcript NM_004564.3 (MANE Select); coding-DNA position 1050, C replaced by A.
Protein change: p.Asp350Glu; replaces aspartic acid 350 with glutamic acid.
Molecular consequence: missense variant.
Genome position (GRCh38, 1-based): chr4:151,701,476, G>T on the plus strand (C>A on the coding strand, the complement: GATB is on the minus strand). VCF-style: chr4-151701476-G-T. GRCh37 (hg19) VCF-style: chr4-152622628-G-T.
Other names: c.1050C>A, p.Asp350Glu (NM_001363341.2); short protein forms D350E.
Identifiers: ClinVar variation 2655127 (VCV002655127.24), dbSNP rs112654171, ClinGen allele CA358445977.